The following is an entry in ClinVar:

NM_181486.4(TBX5):c.301A>T (p.Ile101Phe)

Gene: TBX5 (T-box transcription factor 5; minus strand). Cytogenetic location: 12q24.21.
Variant type: single nucleotide variant.
Coding change: c.301A>T on transcript NM_181486.4 (MANE Select); coding-DNA position 301, A replaced by T.
Protein change: p.Ile101Phe; replaces isoleucine 101 with phenylalanine.
Molecular consequence: missense variant.
Genome position (GRCh38, 1-based): chr12:114,399,574, T>A on the plus strand (A>T on the coding strand, the complement: TBX5 is on the minus strand). VCF-style: chr12-114399574-T-A. GRCh37 (hg19) VCF-style: chr12-114837379-T-A.
Other names: c.301A>T, p.Ile101Phe (NM_000192.3); c.151A>T, p.Ile51Phe (NM_080717.4); short protein forms I101F, I51F.
Identifiers: ClinVar variation 139662 (VCV000139662.2), dbSNP rs515726234, ClinGen allele CA163401.
Genomic context (GRCh38, chr12:114,399,574, plus strand): 5'-ATTTATTATCTGCGAATTTGTATCTGTGATCGTCGGCAGGTACAATGTCCATGAGAAGAA[T>A]GTACTTCGTTTTGGGATTAAGGCCCGTCACCTTCACTTTGTAACTGGGAAACATCCGCCT-3'
Protein context (NP_852259.1, residues 91-111): VTGLNPKTKY[Ile101Phe]LLMDIVPADD

ClinVar aggregate classification (germline): Likely pathogenic (0 of 4 stars; one submission).

Conditions:
Abnormal heart morphology. Also called: Heart, malformation of; Abnormality of cardiac morphology. Identifiers: MedGen C0018798, MeSH D006330, HP:0001627.

Submission:

Laboratory for Genetics of Human Development Center for Human Genetics, Catholic University of Leuven
Classification: Likely pathogenic. Review status: no assertion criteria provided. Collection method: not provided. Allele origin: de novo.
Comment: this variant was identified in a family with multple members affected by ASD/VSD, and occurred de nove in the first affect generation
ClinVar note: Converted during submission from probable-pathogenic to Likely pathogenic.